The following is an entry in ClinVar:

ClinVar aggregate classification (germline): Uncertain significance (1 of 4 stars; one submission).

Submission:

Labcorp Genetics (formerly Invitae), Labcorp
Classification: Uncertain significance. Last evaluated: 2022-03-12. Review status: criteria provided, single submitter. Criteria: Invitae Variant Classification Sherloc (09022015). Collection method: clinical testing. Allele origin: germline.
Comment: Algorithms developed to predict the effect of sequence changes on RNA splicing suggest that this variant may disrupt the consensus splice site. In summary, the available evidence is currently insufficient to determine the role of this variant in disease. Therefore, it has been classified as a Variant of Uncertain Significance. This variant has not been reported in the literature in individuals affected with TIMM50-related conditions. This variant is not present in population databases (gnomAD no frequency). This sequence change affects an acceptor splice site in intron 2 of the TIMM50 gene. It is expected to disrupt RNA splicing. Variants that disrupt the donor or acceptor splice site typically lead to a loss of protein function (PMID: 16199547), however the current clinical and genetic evidence is not sufficient to establish whether loss-of-function variants in TIMM50 cause disease.

Literature cited by the submitters: PubMed 16199547.

NM_001001563.5(TIMM50):c.260-2A>G

Gene: TIMM50 (translocase of inner mitochondrial membrane 50; plus strand). Cytogenetic location: 19q13.2.
Variant type: single nucleotide variant.
Coding change: c.260-2A>G on transcript NM_001001563.5 (MANE Select); the canonical splice acceptor site of the intron before coding-DNA position 260, A replaced by G.
Molecular consequence: splice acceptor variant.
Genome position (GRCh38, 1-based): chr19:39,482,883, A>G. VCF-style: chr19-39482883-A-G. GRCh37 (hg19) VCF-style: chr19-39973523-A-G.
Other names: c.-21-2A>G (NM_001329559.2).
Identifiers: ClinVar variation 2109694 (VCV002109694.4), dbSNP rs2514614326, ClinGen allele CA405786333.